The following is an entry in ClinVar:

NM_001005273.3(CHD3):c.5011G>T (p.Asp1671Tyr)

Gene: CHD3 (chromodomain helicase DNA binding protein 3; plus strand). Cytogenetic location: 17p13.1.
Variant type: single nucleotide variant.
Coding change: c.5011G>T on transcript NM_001005273.3 (MANE Select); coding-DNA position 5011, G replaced by T.
Protein change: p.Asp1671Tyr; replaces aspartic acid 1671 with tyrosine.
Molecular consequence: missense variant. On other transcripts: intron variant (2).
Genome position (GRCh38, 1-based): chr17:7,907,687, G>T. VCF-style: chr17-7907687-G-T. GRCh37 (hg19) VCF-style: chr17-7811005-G-T.
Other names: c.5188G>T, p.Asp1730Tyr (NM_001005271.3, NM_001437504.1); c.5176G>T, p.Asp1726Tyr (NM_001437507.1, NM_001437509.1); c.5089+199G>T (NM_001437508.1); c.4924+199G>T (NM_005852.4); short protein forms D1671Y, D1726Y, D1730Y.
Identifiers: ClinVar variation 5009082 (VCV005009082.1).

ClinVar aggregate classification (germline): Uncertain significance (1 of 4 stars; one submission).

Submission:

GeneDx
Classification: Uncertain significance. Last evaluated: 2026-03-12. Review status: criteria provided, single submitter. Criteria: GeneDx Variant Classification Process June 2021. Collection method: clinical testing. Allele origin: germline.
Comment: Not observed at significant frequency in large population cohorts (gnomAD); In silico analysis supports that this missense variant has a deleterious effect on protein structure/function; In silico analysis supports a deleterious effect on splicing; Has not been previously published as pathogenic or benign to our knowledge